The following is an entry in ClinVar:

NM_170707.4(LMNA):c.1643C>T (p.Thr548Ile)

Gene: LMNA (lamin A/C; plus strand). Cytogenetic location: 1q22.
Variant type: single nucleotide variant.
Coding change: c.1643C>T on transcript NM_170707.4 (MANE Select); coding-DNA position 1643, C replaced by T.
Protein change: p.Thr548Ile; replaces threonine 548 with isoleucine.
Molecular consequence: missense variant. On other transcripts: intron variant (1).
Genome position (GRCh38, 1-based): chr1:156,137,688, C>T. VCF-style: chr1-156137688-C-T. GRCh37 (hg19) VCF-style: chr1-156107479-C-T.
Other names: c.1307C>T, p.Thr436Ile (NM_001257374.3, NM_001406989.1, NM_001406998.1); c.1400C>T, p.Thr467Ile (NM_001282624.2, NM_001406986.1, NM_001406987.1); c.1643C>T, p.Thr548Ile (NM_001282625.2, NM_001282626.2, NM_001406983.1 and 5 more transcripts); c.1346C>T, p.Thr449Ile (NM_001406988.1); c.1085C>T, p.Thr362Ile (NM_001406990.1, NM_001406993.1, NM_001406995.1 and 4 more transcripts); c.1019C>T, p.Thr340Ile (NM_001406994.1, NM_001406999.1, NM_001407000.1 and 1 more transcripts); c.1608+456C>T (NM_170708.4); short protein forms T340I, T362I, T436I, T449I, T467I, T548I.
Identifiers: ClinVar variation 4759142 (VCV004759142.1).

ClinVar aggregate classification (germline): Uncertain significance (1 of 4 stars; one submission).

Conditions:
Cardiomyopathy (CMYO). Also called: Cardiomyopathies. Identifiers: Orphanet 167848, MedGen C0878544, MONDO:0004994, HP:0001638. Inheritance: Various modes of inheritance.

Submission:

Color Diagnostics, LLC DBA Color Health
Classification: Uncertain significance for Cardiomyopathy. Last evaluated: 2025-08-07. Review status: criteria provided, single submitter. Criteria: ACMG Guidelines, 2015. Collection method: clinical testing. Allele origin: germline.
Comment: This missense variant replaces threonine with isoleucine at codon 548 of the LMNA protein. Computational prediction is inconclusive regarding the impact of this variant on protein structure and function. To our knowledge, functional studies have not been reported for this variant. This variant has not been reported in individuals affected with LMNA-related disorders in the literature. This variant has not been identified in the general population by the Genome Aggregation Database (gnomAD). The available evidence is insufficient to determine the role of this variant in disease conclusively. Therefore, this variant is classified as a Variant of Uncertain Significance.